The following is an entry in ClinVar:

NM_000222.3(KIT):c.1925A>C (p.Lys642Thr)

Gene: KIT (KIT proto-oncogene, receptor tyrosine kinase; plus strand). Cytogenetic location: 4q12.
Variant type: single nucleotide variant.
Coding change: c.1925A>C on transcript NM_000222.3 (MANE Select); coding-DNA position 1925, A replaced by C.
Protein change: p.Lys642Thr; replaces lysine 642 with threonine.
Molecular consequence: missense variant.
Genome position (GRCh38, 1-based): chr4:54,728,056, A>C. VCF-style: chr4-54728056-A-C. GRCh37 (hg19) VCF-style: chr4-55594222-A-C.
Other names: c.1913A>C, p.Lys638Thr (NM_001093772.2, NM_001385286.1); c.1928A>C, p.Lys643Thr (NM_001385284.1, NM_001385290.1); c.1925A>C, p.Lys642Thr (NM_001385285.1); c.1916A>C, p.Lys639Thr (NM_001385288.1, NM_001385292.1); short protein forms K638T, K642T, K639T, K643T.
Identifiers: ClinVar variation 2203545 (VCV002203545.4), dbSNP rs2109781646, ClinGen allele CA356908599.
Genomic context (GRCh38, chr4:54,728,056, plus strand): 5'-TGTTTCCAATTTTAGCGAGTGCCCATTTGACAGAACGGGAAGCCCTCATGTCTGAACTCA[A>C]AGTCCTGAGTTACCTTGGTAATCACATGAATATTGTGAATCTACTTGGAGCCTGCACCAT-3'
Protein context (NP_000213.1, residues 632-652): TEREALMSEL[Lys642Thr]VLSYLGNHMN

ClinVar aggregate classification (germline): Uncertain significance (1 of 4 stars; one submission).

Conditions:
Gastrointestinal stromal tumor. Also called: Gastrointestinal stroma tumor; Gastrointestinal stromal tumor, somatic. Identifiers: Orphanet 44890, MedGen C0238198, MeSH D046152, MONDO:0011719, OMIM 606764, HP:0100723.

Submission:

Labcorp Genetics (formerly Invitae), Labcorp
Classification: Uncertain significance for Gastrointestinal stromal tumor. Last evaluated: 2022-03-27. Review status: criteria provided, single submitter. Criteria: Invitae Variant Classification Sherloc (09022015). Collection method: clinical testing. Allele origin: germline.
Comment: In summary, the available evidence is currently insufficient to determine the role of this variant in disease. Therefore, it has been classified as a Variant of Uncertain Significance. This variant disrupts the p.Lys642 amino acid residue in KIT. Other variant(s) that disrupt this residue have been determined to be pathogenic (PMID: 11073817, 17824795, 22626674, 23648119, 29098070). This suggests that this residue is clinically significant, and that variants that disrupt this residue are likely to be disease-causing. Algorithms developed to predict the effect of missense changes on protein structure and function (SIFT, PolyPhen-2, Align-GVGD) all suggest that this variant is likely to be disruptive. This missense change has been observed in individual(s) with gastrointestinal stromal tumors (PMID: 24565205). This variant is not present in population databases (gnomAD no frequency). This sequence change replaces lysine, which is basic and polar, with threonine, which is neutral and polar, at codon 642 of the KIT protein (p.Lys642Thr).

Literature cited by the submitters: PubMed 11073817; PubMed 17824795; PubMed 22626674; PubMed 23648119; PubMed 29098070; PubMed 24565205.